The following is an entry in ClinVar:

NM_000521.4(HEXB):c.978_979insCT (p.Asn327fs)

Gene: HEXB (hexosaminidase subunit beta; plus strand). Cytogenetic location: 5q13.3.
Variant type: Insertion.
Coding change: c.978_979insCT on transcript NM_000521.4 (MANE Select); coding-DNA positions 978 to 979, CT inserted.
Protein change: p.Asn327fs; shifts the reading frame from asparagine 327.
Molecular consequence: frameshift variant.
Genome position: GRCh38 VCF-style: chr5-74715586-G-GCT. GRCh37 (hg19) VCF-style: chr5-74011411-G-GCT.
Other names: c.303_304insCT, p.Asn102fs (NM_001292004.2); short protein forms N102fs, N327fs.
Identifiers: ClinVar variation 5011423 (VCV005011423.1).

ClinVar aggregate classification (germline): Pathogenic (1 of 4 stars; one submission).

Conditions:
Sandhoff disease. Also called: GM2-GANGLIOSIDOSIS, TYPE II; HEXOSAMINIDASES A AND B DEFICIENCY; Beta-hexosaminidase-beta-subunit deficiency; GM2 gangliosidosis, type 2; Total hexosaminidase deficiency; Sandhoff-Jatzkewitz-Pilz disease. Identifiers: Orphanet 796, MedGen C0036161, MONDO:0010006, OMIM 268800.

Submission:

Myriad Genetics, Inc.
Classification: Pathogenic for Sandhoff disease. Last evaluated: 2023-08-21. Review status: criteria provided, single submitter. Criteria: Myriad Autosomal Dominant, Autosomal Recessive and X-Linked Classification Criteria (2023). Collection method: clinical testing. Allele origin: unknown.
Comment: NM_000521.3(HEXB):c.978_979insCT(N327Lfs*46) is expected to be pathogenic in the context of Sandhoff disease. This variant is predicted to lead to an abnormal or absent protein product due to the creation of a premature termination codon in HEXB, a gene where loss-of-function variants are known to be pathogenic. Please note: this variant was assessed in the context of healthy population screening.